The following is an entry in ClinVar:

NM_003200.5(TCF3):c.759C>G (p.Ser253Arg)

Gene: TCF3 (transcription factor 3; minus strand). Cytogenetic location: 19p13.3.
Variant type: single nucleotide variant.
Coding change: c.759C>G on transcript NM_003200.5 (MANE Select); coding-DNA position 759, C replaced by G.
Protein change: p.Ser253Arg; replaces serine 253 with arginine.
Molecular consequence: missense variant.
Genome position (GRCh38, 1-based): chr19:1,622,117, G>C on the plus strand (C>G on the coding strand, the complement: TCF3 is on the minus strand). VCF-style: chr19-1622117-G-C. GRCh37 (hg19) VCF-style: chr19-1622116-G-C.
Other names: c.759C>G, p.Ser253Arg (NM_001136139.4, NM_001351778.2, NM_001351779.2); short protein forms S253R.
Identifiers: ClinVar variation 1494131 (VCV001494131.7), dbSNP rs2240590, ClinGen allele CA403055573.

ClinVar aggregate classification (germline): Uncertain significance (1 of 4 stars; one submission).

Submissions (5):

Labcorp Genetics (formerly Invitae), Labcorp
Classification: Uncertain significance. Last evaluated: 2022-06-13. Review status: criteria provided, single submitter. Criteria: Invitae Variant Classification Sherloc (09022015). Collection method: clinical testing. Allele origin: germline.
Comment: In summary, the available evidence is currently insufficient to determine the role of this variant in disease. Therefore, it has been classified as a Variant of Uncertain Significance. Algorithms developed to predict the effect of sequence changes on RNA splicing suggest that this variant may create or strengthen a splice site. Algorithms developed to predict the effect of missense changes on protein structure and function are either unavailable or do not agree on the potential impact of this missense change (SIFT: "Not Available"; PolyPhen-2: "Possibly Damaging"; Align-GVGD: "Not Available"). This variant has not been reported in the literature in individuals affected with TCF3-related conditions. This variant is not present in population databases (gnomAD no frequency). This sequence change replaces serine with arginine at codon 253 of the TCF3 protein (p.Ser253Arg). The serine residue is weakly conserved and there is a moderate physicochemical difference between serine and arginine.

Dr. Peter K. Rogan Lab, Western University
No classification provided (evidence only). Condition: Ovarian serous cystadenocarcinoma. Review status: no classification provided. Collection method: in vitro. Allele origin: not applicable. Functional consequence: retained intron. Not counted in ClinVar's aggregate classification.

Dr. Peter K. Rogan Lab, Western University
No classification provided (evidence only). Condition: Ovarian serous cystadenocarcinoma. Review status: no classification provided. Collection method: in vitro. Allele origin: not applicable. Functional consequence: retained intron. Not counted in ClinVar's aggregate classification.

Dr. Peter K. Rogan Lab, Western University
No classification provided (evidence only). Condition: Ovarian serous cystadenocarcinoma. Review status: no classification provided. Collection method: in vitro. Allele origin: not applicable. Functional consequence: retained intron. Not counted in ClinVar's aggregate classification.

Dr. Peter K. Rogan Lab, Western University
No classification provided (evidence only). Condition: Ovarian serous cystadenocarcinoma. Review status: no classification provided. Collection method: in vitro. Allele origin: not applicable. Functional consequence: retained intron. Not counted in ClinVar's aggregate classification.